The following is an entry in ClinVar:

NM_017617.5(NOTCH1):c.7110C>A (p.Ser2370Arg)

Gene: NOTCH1 (notch receptor 1; minus strand). Cytogenetic location: 9q34.3.
Variant type: single nucleotide variant.
Coding change: c.7110C>A on transcript NM_017617.5 (MANE Select); coding-DNA position 7110, C replaced by A.
Protein change: p.Ser2370Arg; replaces serine 2370 with arginine.
Molecular consequence: missense variant.
Genome position (GRCh38, 1-based): chr9:136,496,629, G>T on the plus strand (C>A on the coding strand, the complement: NOTCH1 is on the minus strand). VCF-style: chr9-136496629-G-T. GRCh37 (hg19) VCF-style: chr9-139391081-G-T.
Other names: short protein forms S2370R.
Identifiers: ClinVar variation 2748869 (VCV002748869.3), dbSNP rs2133316289, ClinGen allele CA375628779.

ClinVar aggregate classification (germline): Uncertain significance (1 of 4 stars; one submission).

Conditions:
Adams-Oliver syndrome 5 (AOS5). Identifiers: Orphanet 974, MedGen C4014970, MONDO:0014459, OMIM 616028.

Submission:

Labcorp Genetics (formerly Invitae), Labcorp
Classification: Uncertain significance for Adams-Oliver syndrome 5. Last evaluated: 2023-07-31. Review status: criteria provided, single submitter. Criteria: Invitae Variant Classification Sherloc (09022015). Collection method: clinical testing. Allele origin: germline.
Comment: In summary, the available evidence is currently insufficient to determine the role of this variant in disease. Therefore, it has been classified as a Variant of Uncertain Significance. Advanced modeling of protein sequence and biophysical properties (such as structural, functional, and spatial information, amino acid conservation, physicochemical variation, residue mobility, and thermodynamic stability) performed at Invitae indicates that this missense variant is not expected to disrupt NOTCH1 protein function. This variant has not been reported in the literature in individuals affected with NOTCH1-related conditions. This variant is not present in population databases (gnomAD no frequency). This sequence change replaces serine, which is neutral and polar, with arginine, which is basic and polar, at codon 2370 of the NOTCH1 protein (p.Ser2370Arg).